The following is an entry in ClinVar:

NM_001364905.1(LRBA):c.6526A>G (p.Thr2176Ala)

Gene: LRBA (LPS responsive beige-like anchor protein; minus strand). Cytogenetic location: 4q31.3.
Variant type: single nucleotide variant.
Coding change: c.6526A>G on transcript NM_001364905.1 (MANE Select); coding-DNA position 6526, A replaced by G.
Protein change: p.Thr2176Ala; replaces threonine 2176 with alanine.
Molecular consequence: missense variant.
Genome position (GRCh38, 1-based): chr4:150,487,757, T>C on the plus strand (A>G on the coding strand, the complement: LRBA is on the minus strand). VCF-style: chr4-150487757-T-C. GRCh37 (hg19) VCF-style: chr4-151408909-T-C.
Other names: c.6526A>G, p.Thr2176Ala (NM_001199282.3, NM_001367550.1); c.6559A>G, p.Thr2187Ala (NM_006726.5); short protein forms T2176A, T2187A.
Identifiers: ClinVar variation 1434262 (VCV001434262.8), dbSNP rs756885055, ClinGen allele CA3101901.

ClinVar aggregate classification (germline): Uncertain significance. Review status: criteria provided, multiple submitters, no conflicts (2 of 4 stars). 2 submissions from 2 submitters: Uncertain significance (2). Last evaluated 2025-08-03.

Conditions:
Combined immunodeficiency due to LRBA deficiency. Also called: Common variable immunodeficiency 8, with autoimmunity. Identifiers: Orphanet 445018, MedGen C3553512, MONDO:0013863, OMIM 614700.
Inborn genetic diseases. Identifiers: MedGen C0950123, MeSH D030342.

Allele frequency attached by ClinVar (database versions not stated): gnomAD exomes below 0.00001 and 0.00001; gnomAD 0.00001; ExAC 0.00002.
gnomAD v4.1: 12 of 1,599,336 alleles (0.00075%); highest among the groups gnomAD compares: South Asian, 0.0056%; no homozygotes.

Submissions (2):

Labcorp Genetics (formerly Invitae), Labcorp
Classification: Uncertain significance for Combined immunodeficiency due to LRBA deficiency. Last evaluated: 2025-08-03. Review status: criteria provided, single submitter. Criteria: Invitae Variant Classification Sherloc (09022015). Collection method: clinical testing. Allele origin: germline.
Comment: This sequence change replaces threonine, which is neutral and polar, with alanine, which is neutral and non-polar, at codon 2187 of the LRBA protein (p.Thr2187Ala). This variant is present in population databases (rs756885055, gnomAD 0.007%). This variant has not been reported in the literature in individuals affected with LRBA-related conditions. ClinVar contains an entry for this variant (Variation ID: 1434262). Invitae Evidence Modeling of protein sequence and biophysical properties (such as structural, functional, and spatial information, amino acid conservation, physicochemical variation, residue mobility, and thermodynamic stability) has been performed for this missense variant. However, the output from this modeling did not meet the statistical confidence thresholds required to predict the impact of this variant on LRBA protein function. In summary, the available evidence is currently insufficient to determine the role of this variant in disease. Therefore, it has been classified as a Variant of Uncertain Significance.

Ambry Genetics
Classification: Uncertain significance for Inborn genetic diseases. Last evaluated: 2025-05-01. Review status: criteria provided, single submitter. Criteria: Ambry Variant Classification Scheme 2023. Collection method: clinical testing. Allele origin: germline.